The following is an entry in ClinVar:

NM_014215.3(INSRR):c.2700T>G (p.Ser900=)

Genes: INSRR (insulin receptor related receptor; minus strand), NTRK1 (neurotrophic receptor tyrosine kinase 1; plus strand). Cytogenetic location: 1q23.1.
Variant type: single nucleotide variant.
Coding change: c.2700T>G on transcript NM_014215.3 (MANE Select); coding-DNA position 2700, T replaced by G.
Protein change: p.Ser900=; no amino-acid change (serine 900 retained).
Molecular consequence: synonymous variant. On other transcripts: intron variant (1).
Genome position (GRCh38, 1-based): chr1:156,844,499, A>C on the plus strand (T>G on the coding strand, the complement: INSRR is on the minus strand). VCF-style: chr1-156844499-A-C. GRCh37 (hg19) VCF-style: chr1-156814291-A-C.
Other names: c.122+2306A>C (NM_001007792.1).
Identifiers: ClinVar variation 1694531 (VCV001694531.28), dbSNP rs762614947, ClinGen allele CA1167971.

ClinVar aggregate classification (germline): Likely benign (1 of 4 stars; one submission).

Allele frequency attached by ClinVar (database versions not stated): gnomAD exomes 0.00001; ExAC 0.00001.
gnomAD v4.1: 2 of 1,614,168 alleles (0.00012%); highest among the groups gnomAD compares: Admixed American, 0.0017%; no homozygotes.

Submission:

CeGaT Center for Human Genetics Tuebingen
Classification: Likely benign. Last evaluated: 2022-06-01. Review status: criteria provided, single submitter. Criteria: CeGaT Center For Human Genetics Tuebingen Variant Classification Criteria Version 2. Collection method: clinical testing. Allele origin: germline. Affected: yes. Observed: 1 variant allele.
Comment: INSRR: BP4, BP7